The following is an entry in ClinVar:

NM_000298.6(PKLR):c.1416T>G (p.Ile472Met)

Gene: PKLR (pyruvate kinase L/R; minus strand). Cytogenetic location: 1q22.
Variant type: single nucleotide variant.
Coding change: c.1416T>G on transcript NM_000298.6 (MANE Select); coding-DNA position 1416, T replaced by G.
Protein change: p.Ile472Met; replaces isoleucine 472 with methionine.
Molecular consequence: missense variant.
Genome position (GRCh38, 1-based): chr1:155,293,197, A>C on the plus strand (T>G on the coding strand, the complement: PKLR is on the minus strand). VCF-style: chr1-155293197-A-C. GRCh37 (hg19) VCF-style: chr1-155262988-A-C.
Other names: c.1323T>G, p.Ile441Met (NM_181871.4); short protein forms I441M, I472M.
Identifiers: ClinVar variation 3602600 (VCV003602600.1).

ClinVar aggregate classification (germline): Uncertain significance (1 of 4 stars; one submission).

Conditions:
Pyruvate kinase deficiency of red cells (CNSHA2). Also called: PK DEFICIENCY; PYRUVATE KINASE DEFICIENCY OF ERYTHROCYTE; Pyruvate kinase deficiency, Amish type. Identifiers: Orphanet 766, MedGen C0340968, MONDO:0009950, OMIM 266200.

gnomAD v4.1: 3 of 1,613,292 alleles (0.00019%); highest among the groups gnomAD compares: Non-Finnish European, 0.00025%; no homozygotes.

Submission:

Clinical Genomics Laboratory, Washington University in St. Louis
Classification: Uncertain significance for Pyruvate kinase deficiency of red cells. Last evaluated: 2024-09-20. Review status: criteria provided, single submitter. Criteria: ACMG Guidelines, 2015. Collection method: clinical testing. Allele origin: germline.
Comment: The PKLR c.1416T>G (p.Ile472Met) variant, to our knowledge, has not been reported in the medical literature. This variant is only observed on 1/31,346 alleles in the general population (gnomAD v.2.1.1), indicating it is not a common variant. Computational predictors indicate that the variant is damaging, evidence that correlates with impact to PKLR function. Due to limited information, and based on ACMG/AMP guidelines for variant interpretation (Richards S et al., PMID: 25741868), the clinical significance of this variant is uncertain at this time.